The following is an entry in ClinVar:

ClinVar aggregate classification (germline): Uncertain significance (1 of 4 stars; one submission).

Conditions:
TRIOBP-related disorder. Also called: TRIOBP-related condition.

gnomAD v4.1: 10 of 1,611,758 alleles (0.00062%); highest among the groups gnomAD compares: South Asian, 0.0044%; no homozygotes.

Submission:

PreventionGenetics, part of Exact Sciences
Classification: Uncertain significance for TRIOBP-related condition. Last evaluated: 2025-02-12. Review status: criteria provided, single submitter. Criteria: ACMG Guidelines, 2015. Collection method: clinical testing. Allele origin: germline.
Comment: The TRIOBP c.5026G>A variant is predicted to result in the amino acid substitution p.Ala1676Thr. To our knowledge, this variant has not been reported in the literature. This variant is reported in 0.0066% of alleles in individuals of South Asian descent in gnomAD. At this time, the clinical significance of this variant is uncertain due to the absence of conclusive functional and genetic evidence.

NM_001039141.3(TRIOBP):c.5026G>A (p.Ala1676Thr)

Gene: TRIOBP (TRIO and F-actin binding protein; plus strand). Cytogenetic location: 22q13.1.
Variant type: single nucleotide variant.
Coding change: c.5026G>A on transcript NM_001039141.3 (MANE Select); coding-DNA position 5026, G replaced by A.
Protein change: p.Ala1676Thr; replaces alanine 1676 with threonine.
Molecular consequence: missense variant.
Genome position (GRCh38, 1-based): chr22:37,735,362, G>A. VCF-style: chr22-37735362-G-A. GRCh37 (hg19) VCF-style: chr22-38131369-G-A.
Other names: short protein forms A1676T.
Identifiers: ClinVar variation 4985187 (VCV004985187.1).